The following is an entry in ClinVar:

ClinVar aggregate classification (germline): Uncertain significance. Review status: criteria provided, multiple submitters, no conflicts (2 of 4 stars). 2 submissions from 2 submitters: Uncertain significance (2). Last evaluated 2025-11-09.

Conditions:
Inborn genetic diseases. Identifiers: MedGen C0950123, MeSH D030342.
Dyskeratosis congenita, autosomal recessive 5 (DKCB5). Identifiers: MedGen C3554656, MONDO:0014076, OMIM 615190.
Pulmonary fibrosis and/or bone marrow failure, Telomere-related, 3. Also called: PULMONARY FIBROSIS AND/OR BONE MARROW FAILURE SYNDROME, TELOMERE-RELATED, 3. Identifiers: Orphanet 2032, MedGen C4225346, MONDO:0014613, OMIM 616373.

Submissions (2):

Ambry Genetics
Classification: Uncertain significance for Inborn genetic diseases. Last evaluated: 2025-11-09. Review status: criteria provided, single submitter. Criteria: Ambry Variant Classification Scheme 2023. Collection method: clinical testing. Allele origin: germline.
Comment: The p.F915L variant (also known as c.2745C>G), located in coding exon 28 of the RTEL1 gene, results from a C to G substitution at nucleotide position 2745. The phenylalanine at codon 915 is replaced by leucine, an amino acid with highly similar properties. This amino acid position is conserved. In addition, this alteration is predicted to be tolerated by in silico analysis. Based on the available evidence, the clinical significance of this variant remains unclear.

Labcorp Genetics (formerly Invitae), Labcorp
Classification: Uncertain significance for Dyskeratosis congenita, autosomal recessive 5; Pulmonary fibrosis and/or bone marrow failure, Telomere-related, 3. Last evaluated: 2022-09-06. Review status: criteria provided, single submitter. Criteria: Invitae Variant Classification Sherloc (09022015). Collection method: clinical testing. Allele origin: germline.
Comment: This variant is not present in population databases (gnomAD no frequency). This sequence change replaces phenylalanine, which is neutral and non-polar, with leucine, which is neutral and non-polar, at codon 915 of the RTEL1 protein (p.Phe915Leu). This variant has not been reported in the literature in individuals affected with RTEL1-related conditions. In summary, the available evidence is currently insufficient to determine the role of this variant in disease. Therefore, it has been classified as a Variant of Uncertain Significance. Algorithms developed to predict the effect of sequence changes on RNA splicing suggest that this variant may disrupt the consensus splice site. Algorithms developed to predict the effect of missense changes on protein structure and function are either unavailable or do not agree on the potential impact of this missense change (SIFT: "Tolerated"; PolyPhen-2: "Probably Damaging"; Align-GVGD: "Class C0"). ClinVar contains an entry for this variant (Variation ID: 1043930).

NM_001283009.2(RTEL1):c.2745C>G (p.Phe915Leu)

Genes: RTEL1 (regulator of telomere elongation helicase 1; plus strand), RTEL1-TNFRSF6B (RTEL1-TNFRSF6B readthrough (NMD candidate); plus strand). Cytogenetic location: 20q13.33.
Variant type: single nucleotide variant.
Coding change: c.2745C>G on transcript NM_001283009.2 (MANE Select); coding-DNA position 2745, C replaced by G.
Protein change: p.Phe915Leu; replaces phenylalanine 915 with leucine.
Molecular consequence: missense variant. On other transcripts: non-coding transcript variant (1).
Genome position (GRCh38, 1-based): chr20:63,692,897, C>G. VCF-style: chr20-63692897-C-G. GRCh37 (hg19) VCF-style: chr20-62324250-C-G.
Other names: c.2076C>G, p.Phe692Leu (NM_001283010.1); c.2745C>G, p.Phe915Leu (NM_016434.4); c.2817C>G, p.Phe939Leu (NM_032957.5); short protein forms F939L, F692L, F915L.
Identifiers: ClinVar variation 1043930 (VCV001043930.10), dbSNP rs1376717154, ClinGen allele CA409682957.
Genomic context (GRCh38, chr20:63,692,897, plus strand): 5'-GGCCAAGCTCTTCATGGTGGCCGTGAAGCAGGAGTTGAGCCAAGCCAACTTTGCCACCTT[C>G]ACCCAGGCCCTGCAGGACTACAAGGGTTCCGATGACTTCGCCGCCCTGGCCGCCTGTCTC-3'
Protein context (NP_001269938.1, residues 905-925): QELSQANFAT[Phe915Leu]TQALQDYKGS